The following is an entry in ClinVar:

ClinVar aggregate classification (germline): Benign. Review status: criteria provided, multiple submitters, no conflicts (2 of 4 stars). 2 submissions from 2 submitters: Benign (2). Last evaluated 2015-12-10.

Allele frequency attached by ClinVar (database versions not stated): ExAC 0.00137; 1000 Genomes Project 0.00260; gnomAD 0.00084.
gnomAD v4.1: 1,480 of 1,610,236 alleles (0.092%); highest among the groups gnomAD compares: South Asian, 0.99%; 16 homozygotes.

Submissions (2):

Laboratory for Molecular Medicine, Mass General Brigham Personalized Medicine
Classification: Benign. Last evaluated: 2015-12-10. Review status: criteria provided, single submitter. Criteria: LMM Criteria. Collection method: clinical testing. Allele origin: germline. Observed: 2 variant alleles.
Comment: p.Pro216Pro in exon 6 of SFTPA2: This variant is not expected to have clinical s ignificance because it does not alter an amino acid residue and is not located w ithin the splice consensus sequence. It has been identified in 0.9% (145/16444) of South Asian chromosomes, including 4 homozygotes, by the Exome Aggregation Co nsortium (ExAC;dbSNP rs17096771).

Breakthrough Genomics
Classification: Benign. Review status: criteria provided, single submitter. Criteria: ACMG Guidelines, 2015. Collection method: not provided. Allele origin: germline. Inheritance: Autosomal dominant inheritance. Affected: yes.

NM_001098668.4(SFTPA2):c.648T>C (p.Pro216=)

Gene: SFTPA2 (surfactant protein A2; minus strand). Cytogenetic location: 10q22.3.
Variant type: single nucleotide variant.
Coding change: c.648T>C on transcript NM_001098668.4 (MANE Select); coding-DNA position 648, T replaced by C.
Protein change: p.Pro216=; no amino-acid change (proline 216 retained).
Molecular consequence: synonymous variant.
Genome position (GRCh38, 1-based): chr10:79,557,308, A>G on the plus strand (T>C on the coding strand, the complement: SFTPA2 is on the minus strand). VCF-style: chr10-79557308-A-G. GRCh37 (hg19) VCF-style: chr10-81317064-A-G.
Other names: c.648T>C, p.Pro216= (NM_001320813.2); c.678T>C, p.Pro226= (NM_001320814.1).
Identifiers: ClinVar variation 227070 (VCV000227070.6), dbSNP rs17096771, ClinGen allele CA5573991.
Genomic context (GRCh38, chr10:79,557,308, plus strand): 5'-CCTGTCATTCCACTGCCCATCTGTGTACATCTCCACACACTGCTCTTTTCCCCGACCTGC[A>G]GGCTCCCCTCGGTACCAGTTGGTGTAGTTTACAGGGGTCCCATCTGAGTAGCGGAAGTCT-3'
Protein context (NP_001092138.1, residues 206-226): VNYTNWYRGE[Pro216=]AGRGKEQCVE